The following is an entry in ClinVar:

ClinVar aggregate classification (germline): Uncertain significance. Review status: criteria provided, multiple submitters, no conflicts (2 of 4 stars). 2 submissions from 2 submitters: Uncertain significance (2). Last evaluated 2025-10-22.

Submissions (2):

Ambry Genetics
Classification: Uncertain significance. Last evaluated: 2025-10-22. Review status: criteria provided, single submitter. Criteria: Ambry Variant Classification Scheme 2023. Collection method: clinical testing. Allele origin: germline.

Labcorp Genetics (formerly Invitae), Labcorp
Classification: Uncertain significance. Last evaluated: 2025-03-29. Review status: criteria provided, single submitter. Criteria: Invitae Variant Classification Sherloc (09022015). Collection method: clinical testing. Allele origin: germline.
Comment: This sequence change replaces serine, which is neutral and polar, with proline, which is neutral and non-polar, at codon 282 of the UCP2 protein (p.Ser282Pro). The frequency data for this variant in the population databases is considered unreliable, as metrics indicate poor data quality at this position in the gnomAD database. This variant has not been reported in the literature in individuals affected with UCP2-related conditions. An algorithm developed to predict the effect of missense changes on protein structure and function (PolyPhen-2) suggests that this variant is likely to be tolerated. In summary, the available evidence is currently insufficient to determine the role of this variant in disease. Therefore, it has been classified as a Variant of Uncertain Significance.

NM_003355.3(UCP2):c.844T>C (p.Ser282Pro)

Gene: UCP2 (uncoupling protein 2; minus strand). Cytogenetic location: 11q13.4.
Variant type: single nucleotide variant.
Coding change: c.844T>C on transcript NM_003355.3 (MANE Select); coding-DNA position 844, T replaced by C.
Protein change: p.Ser282Pro; replaces serine 282 with proline.
Molecular consequence: missense variant.
Genome position (GRCh38, 1-based): chr11:73,975,093, A>G on the plus strand (T>C on the coding strand, the complement: UCP2 is on the minus strand). VCF-style: chr11-73975093-A-G. GRCh37 (hg19) VCF-style: chr11-73686138-A-G.
Other names: c.844T>C, p.Ser282Pro (NM_001381943.1, NM_001381944.1, NM_001381945.1 and 2 more transcripts); c.742T>C, p.Ser248Pro (NM_001381949.1); c.649T>C, p.Ser217Pro (NM_001381950.1); short protein forms S217P, S282P, S248P.
Identifiers: ClinVar variation 4601650 (VCV004601650.2).